The following is an entry in ClinVar:

NM_002519.3(NPAT):c.2639C>T (p.Thr880Ile)

Gene: NPAT (nuclear protein, coactivator of histone transcription; minus strand). Cytogenetic location: 11q22.3.
Variant type: single nucleotide variant.
Coding change: c.2639C>T on transcript NM_002519.3 (MANE Select); coding-DNA position 2639, C replaced by T.
Protein change: p.Thr880Ile; replaces threonine 880 with isoleucine.
Molecular consequence: missense variant.
Genome position (GRCh38, 1-based): chr11:108,172,345, G>A on the plus strand (C>T on the coding strand, the complement: NPAT is on the minus strand). VCF-style: chr11-108172345-G-A. GRCh37 (hg19) VCF-style: chr11-108043072-G-A.
Other names: c.2639C>T, p.Thr880Ile (NM_001321307.1); short protein forms T880I.
Identifiers: ClinVar variation 1794156 (VCV001794156.2), dbSNP rs2496716494, ClinGen allele CA382512545.

ClinVar aggregate classification (germline): Uncertain significance (1 of 4 stars; one submission).

Submission:

Ambry Genetics
Classification: Uncertain significance. Last evaluated: 2021-12-23. Review status: criteria provided, single submitter. Criteria: Ambry Variant Classification Scheme 2023. Collection method: clinical testing. Allele origin: germline.
Comment: The p.T880I variant (also known as c.2639C>T), located in coding exon 13 of the NPAT gene, results from a C to T substitution at nucleotide position 2639. The threonine at codon 880 is replaced by isoleucine, an amino acid with similar properties. This amino acid position is conserved. In addition, this alteration is predicted to be tolerated by in silico analysis. Since supporting evidence is limited at this time, the clinical significance of this alteration remains unclear.